The following is an entry in ClinVar:

NM_001099922.3(ALG13):c.2458-34_2458dup

Gene: ALG13 (ALG13 UDP-N-acetylglucosaminyltransferase subunit; plus strand). Cytogenetic location: Xq23.
Variant type: Duplication.
Coding change: c.2458-34_2458dup on transcript NM_001099922.3 (MANE Select); 34 bases into the intron before coding-DNA position 2458 through coding-DNA position 2458, 35 bases duplicated.
Molecular consequence: splice acceptor variant.
Genome position (GRCh38, 1-based): chrX:111,735,017-111,735,051, 35 bases duplicated; duplicating any 35 consecutive bases within chrX:111,735,016-111,735,051 gives the same sequence; the c. name uses the placement nearest the transcript's 3' end. GRCh37 (hg19): chrX:110,978,245-110,978,279.
Other names: c.2146-34_2146dup (NM_001257237.2, NM_001257234.2, NM_001257230.2); c.1972-34_1972dup (NM_001324293.1); c.2224-34_2224dup (NM_001257231.2); c.2458-34_2458dup (NM_001324292.2).
Identifiers: ClinVar variation 1303966 (VCV001303966.2), dbSNP rs2148313935, ClinGen allele CA2573055071.

ClinVar aggregate classification (germline): Uncertain significance (1 of 4 stars; one submission).

Submission:

GeneDx
Classification: Uncertain significance. Last evaluated: 2021-01-19. Review status: criteria provided, single submitter. Criteria: GeneDx Variant Classification Process June 2021. Collection method: clinical testing. Allele origin: germline. Affected: yes.
Comment: Not observed in large population cohorts (Lek et al., 2016); Frameshift variant predicted to result in protein truncation or nonsense mediated decay in a gene for which loss-of-function is not a known mechanism of disease; Has not been previously published as pathogenic or benign to our knowledge